The following is an entry in ClinVar:

NM_004006.3(DMD):c.9337C>G (p.Arg3113Gly)

Gene: DMD (dystrophin; minus strand). Cytogenetic location: Xp21.2.
Variant type: single nucleotide variant.
Coding change: c.9337C>G on transcript NM_004006.3 (MANE Select); coding-DNA position 9337, C replaced by G.
Protein change: p.Arg3113Gly; replaces arginine 3113 with glycine.
Molecular consequence: missense variant.
Genome position (GRCh38, 1-based): chrX:31,223,071, G>C on the plus strand (C>G on the coding strand, the complement: DMD is on the minus strand). VCF-style: chrX-31223071-G-C. GRCh37 (hg19) VCF-style: chrX-31241188-G-C.
Other names: c.9313C>G, p.Arg3105Gly (NM_000109.4); c.9325C>G, p.Arg3109Gly (NM_004009.3); c.8968C>G, p.Arg2990Gly (NM_004010.3); c.5314C>G, p.Arg1772Gly (NM_004011.4); c.5305C>G, p.Arg1769Gly (NM_004012.4); c.1957C>G, p.Arg653Gly (NM_004013.3, NM_004020.4, NM_004021.3 and 2 more transcripts); c.1150C>G, p.Arg384Gly (NM_004014.3); c.133C>G, p.Arg45Gly (NM_004015.3, NM_004016.3, NM_004017.3 and 2 more transcripts); short protein forms R2990G, R45G, R1769G, R3105G, R384G, R1772G, R653G, R3109G.
Identifiers: ClinVar variation 2038875 (VCV002038875.4), dbSNP rs398124092, ClinGen allele CA412650858.
Genomic context (GRCh38, chrX:31,223,071, plus strand): 5'-TAGTATCAAGATCTTCAAATACTGGCCAATACTTACAGCAAAGGGCCTTCTGCAGTCTTC[G>C]GAGTTTCATGGCAGTCCTATAAGCTGAGAATCTGACATTATTCAGGTCAGCTGAAAAGAG-3'
Protein context (NP_003997.2, residues 3103-3123): FSAYRTAMKL[Arg3113Gly]RLQKALCLDL

ClinVar aggregate classification (germline): Uncertain significance (1 of 4 stars; one submission).

Conditions:
Duchenne muscular dystrophy (DMD). Also called: MUSCULAR DYSTROPHY, PSEUDOHYPERTROPHIC PROGRESSIVE, DUCHENNE TYPE; Duchenne Muscular Dystrophy (DMD). Identifiers: Orphanet 98896, MedGen C0013264, MONDO:0010679, OMIM 310200.

Submission:

Labcorp Genetics (formerly Invitae), Labcorp
Classification: Uncertain significance for Duchenne muscular dystrophy. Last evaluated: 2022-03-28. Review status: criteria provided, single submitter. Criteria: Invitae Variant Classification Sherloc (09022015). Collection method: clinical testing. Allele origin: germline.
Comment: In summary, the available evidence is currently insufficient to determine the role of this variant in disease. Therefore, it has been classified as a Variant of Uncertain Significance. Algorithms developed to predict the effect of missense changes on protein structure and function are either unavailable or do not agree on the potential impact of this missense change (SIFT: "Deleterious"; PolyPhen-2: "Possibly Damaging"; Align-GVGD: "Class C0"). This variant has not been reported in the literature in individuals affected with DMD-related conditions. This variant is not present in population databases (gnomAD no frequency). This sequence change replaces arginine, which is basic and polar, with glycine, which is neutral and non-polar, at codon 3113 of the DMD protein (p.Arg3113Gly).